The following is an entry in ClinVar:

ClinVar aggregate classification (germline): Conflicting classifications of pathogenicity. Review status: criteria provided, conflicting classifications (1 of 4 stars). 3 submissions from 3 submitters: Uncertain significance (2); Likely benign (1). Last evaluated 2026-07-10.

Conditions:
Hereditary cancer-predisposing syndrome. Also called: Hereditary Cancer Syndrome; Neoplastic Syndromes, Hereditary; Hereditary neoplastic syndrome; Tumor predisposition. Identifiers: Orphanet 140162, MedGen C0027672, MeSH D009386, MONDO:0015356.
Tuberous sclerosis 1 (TSC1). Identifiers: Orphanet 805, MedGen C1854465, MONDO:0008612, OMIM 191100.

Allele frequency attached by ClinVar (database versions not stated): gnomAD exomes below 0.00001; TOPMed below 0.00001.
gnomAD v4.1: 2 of 1,614,224 alleles (0.00012%); highest among the groups gnomAD compares: Middle Eastern, 0.033%; no homozygotes.

Submissions (3):

Ambry Genetics
Classification: Likely benign for Hereditary cancer-predisposing syndrome. Last evaluated: 2026-07-10. Review status: criteria provided, single submitter. Criteria: Ambry Variant Classification Scheme 2023. Collection method: clinical testing. Allele origin: germline.

Labcorp Genetics (formerly Invitae), Labcorp
Classification: Uncertain significance for Tuberous sclerosis 1. Last evaluated: 2023-11-18. Review status: criteria provided, single submitter. Criteria: Invitae Variant Classification Sherloc (09022015). Collection method: clinical testing. Allele origin: germline.
Comment: This sequence change replaces histidine, which is basic and polar, with glutamine, which is neutral and polar, at codon 1161 of the TSC1 protein (p.His1161Gln). This variant is not present in population databases (gnomAD no frequency). This variant has not been reported in the literature in individuals affected with TSC1-related conditions. ClinVar contains an entry for this variant (Variation ID: 1364354). Algorithms developed to predict the effect of missense changes on protein structure and function output the following: SIFT: "Not Available"; PolyPhen-2: "Benign"; Align-GVGD: "Not Available". The glutamine amino acid residue is found in multiple mammalian species, which suggests that this missense change does not adversely affect protein function. In summary, the available evidence is currently insufficient to determine the role of this variant in disease. Therefore, it has been classified as a Variant of Uncertain Significance.

Blueprint Genetics
Classification: Uncertain significance. Last evaluated: 2023-07-17. Review status: criteria provided, single submitter. Criteria: ACMG Guidelines, 2015. Collection method: clinical testing. Allele origin: germline.

NM_000368.5(TSC1):c.3483T>A (p.His1161Gln)

Gene: TSC1 (TSC complex subunit 1; minus strand). Cytogenetic location: 9q34.13.
Variant type: single nucleotide variant.
Coding change: c.3483T>A on transcript NM_000368.5 (MANE Select); coding-DNA position 3483, T replaced by A.
Protein change: p.His1161Gln; replaces histidine 1161 with glutamine.
Molecular consequence: missense variant.
Genome position (GRCh38, 1-based): chr9:132,896,247, A>T on the plus strand (T>A on the coding strand, the complement: TSC1 is on the minus strand). VCF-style: chr9-132896247-A-T. GRCh37 (hg19) VCF-style: chr9-135771634-A-T.
Other names: c.3483T>A (NM_000368.4); c.3480T>A, p.His1160Gln (NM_001162426.2); c.3330T>A, p.His1110Gln (NM_001162427.2); c.3120T>A, p.His1040Gln (NM_001362177.2); short protein forms H1040Q, H1161Q, H1160Q, H1110Q.
Identifiers: ClinVar variation 1364354 (VCV001364354.11), dbSNP rs1588285797, ClinGen allele CA375366271.
Genomic context (GRCh38, chr9:132,896,247, plus strand): 5'-TGTTCTGTGCCAACAATATGCAAGTTAACACTGATTGACCATCATTCCTTAGCTGTGTTC[A>T]TGATGAGTCTCATTGTAGTCCATGATATGTAGCTGTCCAACACTGTCCGGGGTCGGGGGA-3'
Protein context (NP_000359.1, residues 1151-1164): LHIMDYNETH[His1161Gln]EHS